The following is an entry in ClinVar:

ClinVar aggregate classification (germline): Uncertain significance (1 of 4 stars; one submission).

Submission:

GeneDx
Classification: Uncertain significance. Last evaluated: 2023-02-09. Review status: criteria provided, single submitter. Criteria: GeneDx Variant Classification Process June 2021. Collection method: clinical testing. Allele origin: germline. Affected: yes.
Comment: Has not been previously published as pathogenic or benign to our knowledge; Not observed at significant frequency in large population cohorts (gnomAD); Located in one of the three hot-spot regions of the RYR2 gene, where the majority of pathogenic missense variants occur (Medeiros-Domingo et al., 2009); In silico analysis supports that this missense variant has a deleterious effect on protein structure/function; This variant is associated with the following publications: (PMID: 19926015)

NM_001035.3(RYR2):c.12157G>A (p.Glu4053Lys)

Gene: RYR2 (ryanodine receptor 2; plus strand). Cytogenetic location: 1q43.
Variant type: single nucleotide variant.
Coding change: c.12157G>A on transcript NM_001035.3 (MANE Select); coding-DNA position 12157, G replaced by A.
Protein change: p.Glu4053Lys; replaces glutamic acid 4053 with lysine.
Molecular consequence: missense variant.
Genome position (GRCh38, 1-based): chr1:237,783,869, G>A. VCF-style: chr1-237783869-G-A. GRCh37 (hg19) VCF-style: chr1-237947169-G-A.
Other names: short protein forms E4053K.
Identifiers: ClinVar variation 2575835 (VCV002575835.1), dbSNP rs2527776809, ClinGen allele CA345412316.